The following is an entry in ClinVar:

ClinVar aggregate classification (germline): Uncertain significance (1 of 4 stars; one submission).

Conditions:
Lowe syndrome (OCRL). Also called: LOWE OCULOCEREBRORENAL SYNDROME; PHOSPHATIDYLINOSITOL 4,5-BISPHOSPHATE 5-PHOSPHATASE DEFICIENCY; Oculocerebrorenal Syndrome. Identifiers: Orphanet 534, MedGen C0028860, MONDO:0010645, OMIM 309000.

Submission:

Labcorp Genetics (formerly Invitae), Labcorp
Classification: Uncertain significance for Lowe syndrome. Last evaluated: 2024-11-21. Review status: criteria provided, single submitter. Criteria: Invitae Variant Classification Sherloc (09022015). Collection method: clinical testing. Allele origin: germline.
Comment: This sequence change replaces valine, which is neutral and non-polar, with leucine, which is neutral and non-polar, at codon 643 of the OCRL protein (p.Val643Leu). This variant is not present in population databases (gnomAD no frequency). This variant has not been reported in the literature in individuals affected with OCRL-related conditions. Invitae Evidence Modeling of protein sequence and biophysical properties (such as structural, functional, and spatial information, amino acid conservation, physicochemical variation, residue mobility, and thermodynamic stability) indicates that this missense variant is not expected to disrupt OCRL protein function with a negative predictive value of 80%. In summary, the available evidence is currently insufficient to determine the role of this variant in disease. Therefore, it has been classified as a Variant of Uncertain Significance.

NM_000276.4(OCRL):c.1927G>C (p.Val643Leu)

Gene: OCRL (OCRL inositol polyphosphate-5-phosphatase; plus strand). Cytogenetic location: Xq26.1.
Variant type: single nucleotide variant.
Coding change: c.1927G>C on transcript NM_000276.4 (MANE Select); coding-DNA position 1927, G replaced by C.
Protein change: p.Val643Leu; replaces valine 643 with leucine.
Molecular consequence: missense variant.
Genome position (GRCh38, 1-based): chrX:129,576,364, G>C. VCF-style: chrX-129576364-G-C. GRCh37 (hg19) VCF-style: chrX-128710341-G-C.
Other names: c.1930G>C, p.Val644Leu (NM_001318784.2); c.1927G>C, p.Val643Leu (NM_001587.4); short protein forms V644L, V643L.
Identifiers: ClinVar variation 3670326 (VCV003670326.2).